The following is an entry in ClinVar:

NM_182925.5(FLT4):c.3296C>T (p.Ser1099Phe)

Gene: FLT4 (fms related receptor tyrosine kinase 4; minus strand). Cytogenetic location: 5q35.3.
Variant type: single nucleotide variant.
Coding change: c.3296C>T on transcript NM_182925.5 (MANE Select); coding-DNA position 3296, C replaced by T.
Protein change: p.Ser1099Phe; replaces serine 1099 with phenylalanine.
Molecular consequence: missense variant.
Genome position (GRCh38, 1-based): chr5:180,614,103, G>A on the plus strand (C>T on the coding strand, the complement: FLT4 is on the minus strand). VCF-style: chr5-180614103-G-A. GRCh37 (hg19) VCF-style: chr5-180041103-G-A.
Other names: c.3296C>T, p.Ser1099Phe (NM_001354989.2, NM_002020.5); short protein forms S1099F.
Identifiers: ClinVar variation 3365881 (VCV003365881.2).

ClinVar aggregate classification (germline): Likely pathogenic (1 of 4 stars; one submission).

Submission:

GeneDx
Classification: Likely pathogenic. Last evaluated: 2026-08-13. Review status: criteria provided, single submitter. Criteria: GeneDx Variant Classification Process June 2021. Collection method: clinical testing. Allele origin: germline.
Comment: Not observed at significant frequency in large population cohorts (gnomAD); In silico analysis supports that this missense variant has a deleterious effect on protein structure/function; This variant is associated with the following publications: (PMID: 34681005, 10835628, 11114740)